The following is an entry in ClinVar:

NM_144596.4(TTC8):c.1285A>C (p.Asn429His)

Gene: TTC8 (tetratricopeptide repeat domain 8; plus strand). Cytogenetic location: 14q31.3.
Variant type: single nucleotide variant.
Coding change: c.1285A>C on transcript NM_144596.4 (MANE Select); coding-DNA position 1285, A replaced by C.
Protein change: p.Asn429His; replaces asparagine 429 with histidine.
Molecular consequence: missense variant. On other transcripts: non-coding transcript variant (1).
Genome position (GRCh38, 1-based): chr14:88,872,390, A>C. VCF-style: chr14-88872390-A-C. GRCh37 (hg19) VCF-style: chr14-89338734-A-C.
Other names: c.1285A>C (NM_144596.3); c.1333A>C, p.Asn445His (NM_001288781.1); c.691A>C, p.Asn231His (NM_001288782.1); c.568A>C, p.Asn190His (NM_001288783.1); c.1255A>C, p.Asn419His (NM_001366535.2, NM_198309.3); c.1165A>C, p.Asn389His (NM_001366536.2, NM_198310.3); short protein forms N231H, N429H, N445H, N389H, N419H, N190H.
Identifiers: ClinVar variation 2168692 (VCV002168692.5), dbSNP rs763520588, ClinGen allele CA7302703.
Genomic context (GRCh38, chr14:88,872,390, plus strand): 5'-GGAATAGGAGATACAAATTTGGCCCATCAGTGCTTCAGGCTGGCTCTGGTCAACAACAAC[A>C]ACCACGCCGAGGCCTACAACAACCTGGCTGTGCTGGAGATGCGGAAGGGCCACGTTGAAC-3'
Protein context (NP_653197.2, residues 419-439): CFRLALVNNN[Asn429His]HAEAYNNLAV

ClinVar aggregate classification (germline): Uncertain significance. Review status: criteria provided, multiple submitters, no conflicts (2 of 4 stars). 2 submissions from 2 submitters: Uncertain significance (2). Last evaluated 2026-08-25.

Conditions:
TTC8-related disorder. Also called: TTC8-related condition.
Bardet-Biedl syndrome (BBS). Identifiers: Orphanet 110, MedGen C0752166, MONDO:0015229.

Allele frequency attached by ClinVar (database versions not stated): gnomAD exomes below 0.00001; ExAC 0.00002.

Submissions (2):

PreventionGenetics, part of Exact Sciences
Classification: Uncertain significance for TTC8-related condition. Last evaluated: 2026-08-25. Review status: criteria provided, single submitter. Criteria: ACMG Guidelines, 2015. Collection method: clinical testing. Allele origin: germline.
Comment: The TTC8 c.1285A>C variant is predicted to result in the amino acid substitution p.Asn429His. To our knowledge, this variant has not been reported in the literature. This variant is reported in 0.0018% of alleles in individuals of European (Non-Finnish) descent in gnomAD. At this time, the clinical significance of this variant is uncertain due to the absence of conclusive functional and genetic evidence.

Labcorp Genetics (formerly Invitae), Labcorp
Classification: Uncertain significance for Bardet-Biedl syndrome. Last evaluated: 2022-11-08. Review status: criteria provided, single submitter. Criteria: Invitae Variant Classification Sherloc (09022015). Collection method: clinical testing. Allele origin: germline.
Comment: In summary, the available evidence is currently insufficient to determine the role of this variant in disease. Therefore, it has been classified as a Variant of Uncertain Significance. Advanced modeling of protein sequence and biophysical properties (such as structural, functional, and spatial information, amino acid conservation, physicochemical variation, residue mobility, and thermodynamic stability) performed at Invitae indicates that this missense variant is not expected to disrupt TTC8 protein function. This variant has not been reported in the literature in individuals affected with TTC8-related conditions. This variant is present in population databases (rs763520588, gnomAD 0.002%). This sequence change replaces asparagine, which is neutral and polar, with histidine, which is basic and polar, at codon 419 of the TTC8 protein (p.Asn419His).